The following is an entry in ClinVar:

ClinVar aggregate classification (germline): Likely pathogenic (0 of 4 stars; one submission).

Conditions:
F7-related disorder. Also called: F7-related condition.

Submission:

PreventionGenetics, part of Exact Sciences
Classification: Likely pathogenic for F7-related condition. Last evaluated: 2024-05-07. Review status: no assertion criteria provided. Collection method: clinical testing. Allele origin: germline.
Comment: The F7 c.1090C>G variant is predicted to result in the amino acid substitution p.Arg364Gly. This variant has been reported in the heterozygous state in an individual with mild Factor VII deficiency (Ravanbod et al. 2023. PubMed ID: 36760778). Different missense variants in the same codon (p.Arg364Gln; p.Arg364Trp) have been reported in patients with Factor VII deficiency (O’Brien et al. 1991. PubMed ID: 2070047; Matsushita et al. 1994. PubMed ID: 8125953) suggesting that substitution of amino acid residue p.Arg364 is not tolerated. This variant is reported in 0.0098% of alleles in individuals of South Asian descent in gnomAD. This variant is classified as likely pathogenic.

NM_019616.4(F7):c.1024C>G (p.Arg342Gly)

Gene: F7 (coagulation factor VII; plus strand). Cytogenetic location: 13q34.
Variant type: single nucleotide variant.
Coding change: c.1024C>G on transcript NM_019616.4 (MANE Select); coding-DNA position 1024, C replaced by G.
Protein change: p.Arg342Gly; replaces arginine 342 with glycine.
Molecular consequence: missense variant. On other transcripts: non-coding transcript variant (1).
Genome position (GRCh38, 1-based): chr13:113,118,697, C>G. VCF-style: chr13-113118697-C-G. GRCh37 (hg19) VCF-style: chr13-113773011-C-G.
Other names: c.1090C>G, p.Arg364Gly (NM_000131.5); c.838C>G, p.Arg280Gly (NM_001267554.2); short protein forms R280G, R342G, R364G.
Identifiers: ClinVar variation 3349591 (VCV003349591.1).
Genomic context (GRCh38, chr13:113,118,697, plus strand): 5'-TGGGGCCAGCTGCTGGACCGTGGCGCCACGGCCCTGGAGCTCATGGTCCTCAACGTGCCC[C>G]GGCTGATGACCCAGGACTGCCTGCAGCAGTCACGGAAGGTGGGAGACTCCCCAAATATCA-3'
Protein context (NP_062562.1, residues 332-352): ALELMVLNVP[Arg342Gly]LMTQDCLQQS